The following is an entry in ClinVar:

NM_007294.4(BRCA1):c.4918A>C (p.Thr1640Pro)

Gene: BRCA1 (BRCA1 DNA repair associated; minus strand). Cytogenetic location: 17q21.31.
Variant type: single nucleotide variant.
Coding change: c.4918A>C on transcript NM_007294.4 (MANE Select); coding-DNA position 4918, A replaced by C.
Protein change: p.Thr1640Pro; replaces threonine 1640 with proline.
Molecular consequence: missense variant. On other transcripts: non-coding transcript variant (1).
Genome position (GRCh38, 1-based): chr17:43,070,996, T>G on the plus strand (A>C on the coding strand, the complement: BRCA1 is on the minus strand). VCF-style: chr17-43070996-T-G. GRCh37 (hg19) VCF-style: chr17-41223013-T-G.
Other names: c.1345A>C, p.Thr449Pro (NM_001408496.1, NM_001408497.1, NM_001408498.1 and 3 more transcripts); c.1228A>C, p.Thr410Pro (NM_001408510.1); c.1225A>C, p.Thr409Pro (NM_001408511.1); c.1105A>C, p.Thr369Pro (NM_001408512.1); c.1078A>C, p.Thr360Pro (NM_001408513.1); c.4777A>C, p.Thr1593Pro (NM_007297.4, NM_001407692.1, NM_001407694.1 and 13 more transcripts); c.1606A>C, p.Thr536Pro (NM_007298.4, NM_007299.4, NM_007304.2 and 13 more transcripts); c.4981A>C, p.Thr1661Pro (NM_007300.4, NM_001407583.1, NM_001407585.1 and 1 more transcripts); and 70 more; short protein forms T1593P, T1661P, T536P, T1640P, T1486P, T1512P, T1528P, T1550P.
Identifiers: ClinVar variation 865416 (VCV000865416.3), dbSNP rs1555580683, ClinGen allele CA10591686.

Conditions:
Breast-ovarian cancer, familial, susceptibility to, 1 (BROVCA1). Also called: BRCA1 Hereditary Breast and Ovarian Cancer; OVARIAN CANCER, SUSCEPTIBILITY TO. Identifiers: Orphanet 145, MedGen C2676676, MONDO:0011450, OMIM 604370. Disease mechanism: loss of function.

Submission:

Brotman Baty Institute, University of Washington
No classification provided (evidence only). Condition: Breast-ovarian cancer, familial 1. Review status: no classification provided. Collection method: in vitro. Allele origin: not applicable. Functional consequence: functionally_normal.
ClinVar note: "not provided" was previously submitted as the classification for the variant. However, the classification appeared to be based only on an observation of functional data so it was converted to no classification on 2025-07-30.